The following is an entry in ClinVar:

ClinVar aggregate classification (germline): Likely benign. Review status: criteria provided, multiple submitters, no conflicts (2 of 4 stars). 4 submissions from 4 submitters: Likely benign (4). Last evaluated 2026-09-01.

Allele frequency attached by ClinVar (database versions not stated): 1000 Genomes Project 30x 0.00172; 1000 Genomes Project 0.00180; TOPMed 0.00337; ESP Exome Variant Server 0.00354; gnomAD 0.00360 and 0.00367.
gnomAD v4.1: 8,848 of 1,614,194 alleles (0.55%); highest among the groups gnomAD compares: Non-Finnish European, 0.65%; 37 homozygotes.

Submissions (4):

CeGaT Center for Human Genetics Tuebingen
Classification: Likely benign. Last evaluated: 2026-09-01. Review status: criteria provided, single submitter. Criteria: CeGaT Center For Human Genetics Tuebingen Variant Classification Criteria Version 2. Collection method: clinical testing. Allele origin: germline. Affected: yes. Observed: 6 variant alleles.
Comment: LRP1: BS2

Blueprint Genetics
Classification: Likely benign. Last evaluated: 2024-11-19. Review status: criteria provided, single submitter. Criteria: ACMG Guidelines, 2015. Collection method: clinical testing. Allele origin: germline.

Labcorp Genetics (formerly Invitae), Labcorp
Classification: Likely benign. Last evaluated: 2019-12-31. Review status: criteria provided, single submitter. Criteria: Invitae Variant Classification Sherloc (09022015). Collection method: clinical testing. Allele origin: germline.

Breakthrough Genomics
Classification: Likely benign. Review status: criteria provided, single submitter. Criteria: ACMG Guidelines, 2015. Collection method: not provided. Allele origin: germline. Inheritance: Autosomal recessive inheritance. Affected: yes.

NM_002332.3(LRP1):c.3644G>A (p.Gly1215Glu)

Gene: LRP1 (LDL receptor related protein 1; plus strand). Cytogenetic location: 12q13.3.
Variant type: single nucleotide variant.
Coding change: c.3644G>A on transcript NM_002332.3 (MANE Select); coding-DNA position 3644, G replaced by A.
Protein change: p.Gly1215Glu; replaces glycine 1215 with glutamic acid.
Molecular consequence: missense variant.
Genome position (GRCh38, 1-based): chr12:57,175,556, G>A. VCF-style: chr12-57175556-G-A. GRCh37 (hg19) VCF-style: chr12-57569339-G-A.
Other names: short protein forms G1215E.
Identifiers: ClinVar variation 781981 (VCV000781981.30), dbSNP rs35890409, ClinGen allele CA6643094.